The following is an entry in ClinVar:

ClinVar aggregate classification (germline): Uncertain significance. Review status: criteria provided, multiple submitters, no conflicts (2 of 4 stars). 8 submissions from 8 submitters: Uncertain significance (8). Last evaluated 2025-08-03.

Conditions:
Classic or attenuated familial adenomatous polyposis. Identifiers: MedGen CN372698, MONDO:0021057.
Hereditary cancer-predisposing syndrome. Also called: Hereditary neoplastic syndrome; Neoplastic Syndromes, Hereditary; Hereditary Cancer Syndrome; Tumor predisposition. Identifiers: Orphanet 140162, MedGen C0027672, MeSH D009386, MONDO:0015356.
APC-Associated Polyposis Disorders.
Familial adenomatous polyposis 1 (FAP1). Also called: POLYPOSIS, ADENOMATOUS INTESTINAL; FAMILIAL ADENOMATOUS POLYPOSIS 1, ATTENUATED. Identifiers: MedGen C2713442, MONDO:0021056, OMIM 175100. Disease mechanism: loss of function.

Allele frequency attached by ClinVar (database versions not stated): gnomAD exomes below 0.00001 and 0.00001; gnomAD 0.00001; TOPMed 0.00001.
gnomAD v4.1: 6 of 1,614,032 alleles (0.00037%); highest among the groups gnomAD compares: African/African-American, 0.0013%; no homozygotes.

Submissions (8):

Labcorp Genetics (formerly Invitae), Labcorp
Classification: Uncertain significance for Familial adenomatous polyposis 1. Last evaluated: 2025-08-03. Review status: criteria provided, single submitter. Criteria: Invitae Variant Classification Sherloc (09022015). Collection method: clinical testing. Allele origin: germline.
Comment: This sequence change replaces leucine, which is neutral and non-polar, with tryptophan, which is neutral and slightly polar, at codon 852 of the APC protein (p.Leu852Trp). This variant is present in population databases (no rsID available, gnomAD 0.002%). This variant has not been reported in the literature in individuals affected with APC-related conditions. ClinVar contains an entry for this variant (Variation ID: 660204). Invitae Evidence Modeling of protein sequence and biophysical properties (such as structural, functional, and spatial information, amino acid conservation, physicochemical variation, residue mobility, and thermodynamic stability) indicates that this missense variant is not expected to disrupt APC protein function with a negative predictive value of 95%. In summary, the available evidence is currently insufficient to determine the role of this variant in disease. Therefore, it has been classified as a Variant of Uncertain Significance.

Color Diagnostics, LLC DBA Color Health
Classification: Uncertain significance for Hereditary cancer-predisposing syndrome. Last evaluated: 2025-07-21. Review status: criteria provided, single submitter. Criteria: ACMG Guidelines, 2015. Collection method: clinical testing. Allele origin: germline.
Comment: This missense variant replaces leucine with tryptophan at codon 852 of the APC protein. Computational prediction suggests that this variant may not impact protein structure and function. To our knowledge, functional studies have not been reported for this variant. This variant has not been reported in individuals affected with APC-related disorders in the literature. This variant has been identified in 2/251190 chromosomes in the general population by the Genome Aggregation Database (gnomAD). The available evidence is insufficient to determine the role of this variant in disease conclusively. Therefore, this variant is classified as a Variant of Uncertain Significance.

Quest Diagnostics Nichols Institute San Juan Capistrano
Classification: Uncertain significance. Last evaluated: 2024-10-09. Review status: criteria provided, single submitter. Criteria: Quest Diagnostics criteria. Collection method: clinical testing. Allele origin: unknown.
Comment: The APC c.2555T>G (p.Leu852Trp) variant has not been reported in individuals with APC-related conditions in the published literature. The frequency of this variant in the general population, 0.000008 (2/251190 chromosomes (Genome Aggregation Database)), is uninformative in the assessment of its pathogenicity. Analysis of this variant using bioinformatics tools for the prediction of the effect of amino acid changes on protein structure and function yielded conflicting predictions that this variant is benign or damaging. Based on the available information, we are unable to determine the clinical significance of this variant.

Ambry Genetics
Classification: Uncertain significance for Hereditary cancer-predisposing syndrome. Last evaluated: 2024-02-27. Review status: criteria provided, single submitter. Criteria: Ambry Variant Classification Scheme 2023. Collection method: clinical testing. Allele origin: germline.
Comment: The p.L852W variant (also known as c.2555T>G), located in coding exon 15 of the APC gene, results from a T to G substitution at nucleotide position 2555. The leucine at codon 852 is replaced by tryptophan, an amino acid with similar properties. This amino acid position is well conserved in available vertebrate species. In addition, in silico predictors for this gene do not accurately predict pathogenicity. Since supporting evidence is limited at this time, the clinical significance of this alteration remains unclear.

Baylor Genetics
Classification: Uncertain significance for Familial adenomatous polyposis 1. Last evaluated: 2023-12-29. Review status: criteria provided, single submitter. Criteria: ACMG Guidelines, 2015. Collection method: clinical testing. Allele origin: unknown.

GeneDx
Classification: Uncertain significance. Last evaluated: 2023-05-05. Review status: criteria provided, single submitter. Criteria: GeneDx Variant Classification Process June 2021. Collection method: clinical testing. Allele origin: germline. Affected: yes.
Comment: Not observed at significant frequency in large population cohorts (gnomAD); In silico analysis supports that this missense variant does not alter protein structure/function; Has not been previously published as pathogenic or benign to our knowledge

All of Us Research Program, National Institutes of Health
Classification: Uncertain significance for Classic or attenuated familial adenomatous polyposis. Last evaluated: 2023-02-24. Review status: criteria provided, single submitter. Criteria: ACMG Guidelines, 2015. Collection method: clinical testing. Allele origin: germline. Inheritance: Autosomal dominant inheritance. Observed: 1 variant allele, 1 heterozygote.
Comment: This missense variant replaces leucine with tryptophan at codon 852 of the APC protein. Computational prediction suggests that this variant may not impact protein structure and function (internally defined REVEL score threshold <= 0.5, PMID: 27666373). To our knowledge, functional studies have not been reported for this variant. This variant has not been reported in individuals affected with APC-related disorders in the literature. This variant has been identified in 2/251190 chromosomes in the general population by the Genome Aggregation Database (gnomAD). The available evidence is insufficient to determine the role of this variant in disease conclusively. Therefore, this variant is classified as a Variant of Uncertain Significance.

This study involves interpretation of variants in research participants for the purpose of population health screening. Participant phenotype was not available at the time of variant classification. Additional details can be found in publication PMID: 35346344, PMCID: PMC8962531

Illumina Laboratory Services, Illumina
Classification: Uncertain significance for APC-Associated Polyposis Disorders. Last evaluated: 2017-04-28. Review status: criteria provided, single submitter. Criteria: ICSL Variant Classification Criteria 13 December 2019. Collection method: clinical testing. Allele origin: germline.

NM_000038.6(APC):c.2555T>G (p.Leu852Trp)

Gene: APC (APC regulator of Wnt signaling pathway; plus strand). Cytogenetic location: 5q22.2.
Variant type: single nucleotide variant.
Coding change: c.2555T>G on transcript NM_000038.6 (MANE Select); coding-DNA position 2555, T replaced by G.
Protein change: p.Leu852Trp; replaces leucine 852 with tryptophan.
Molecular consequence: missense variant.
Genome position (GRCh38, 1-based): chr5:112,838,149, T>G. VCF-style: chr5-112838149-T-G. GRCh37 (hg19) VCF-style: chr5-112173846-T-G.
Other names: c.2555T>G, p.Leu852Trp (NM_001127510.3, NM_001354895.2); c.2501T>G, p.Leu834Trp (NM_001127511.3); c.2480T>G, p.Leu827Trp (NM_001354898.2); c.2471T>G, p.Leu824Trp (NM_001354899.2); c.2177T>G, p.Leu726Trp (NM_001354904.2); c.2075T>G, p.Leu692Trp (NM_001354905.2); c.1706T>G, p.Leu569Trp (NM_001354906.2); c.2432T>G, p.Leu811Trp (NM_001354900.2); and 5 more; short protein forms L726W, L751W, L761W, L793W, L811W, L827W, L834W, L569W.
Identifiers: ClinVar variation 660204 (VCV000660204.25), dbSNP rs1405022793, ClinGen allele CA16026932.